The following is an entry in ClinVar:

NM_014956.5(CEP164):c.2290G>A (p.Ala764Thr)

Gene: CEP164 (centrosomal protein 164; plus strand). Cytogenetic location: 11q23.3.
Variant type: single nucleotide variant.
Coding change: c.2290G>A on transcript NM_014956.5 (MANE Select); coding-DNA position 2290, G replaced by A.
Protein change: p.Ala764Thr; replaces alanine 764 with threonine.
Molecular consequence: missense variant.
Genome position (GRCh38, 1-based): chr11:117,392,232, G>A. VCF-style: chr11-117392232-G-A. GRCh37 (hg19) VCF-style: chr11-117262948-G-A.
Other names: c.2299G>A, p.Ala767Thr (NM_001271933.2); short protein forms A764T, A767T.
Identifiers: ClinVar variation 2067053 (VCV002067053.1), dbSNP rs2044750096, ClinGen allele CA382724884.

ClinVar aggregate classification (germline): Uncertain significance (1 of 4 stars; one submission).

Conditions:
Nephronophthisis 15 (NPHP15). Identifiers: Orphanet 3156, MedGen C3541853, MONDO:0013917, OMIM 614845.

Allele frequency attached by ClinVar (database versions not stated): gnomAD exomes below 0.00001; TOPMed below 0.00001.
gnomAD v4.1: 3 of 1,603,650 alleles (0.00019%); highest among the groups gnomAD compares: Non-Finnish European, 0.00017%; no homozygotes.

Submission:

Labcorp Genetics (formerly Invitae), Labcorp
Classification: Uncertain significance for Nephronophthisis 15. Last evaluated: 2022-10-25. Review status: criteria provided, single submitter. Criteria: Invitae Variant Classification Sherloc (09022015). Collection method: clinical testing. Allele origin: germline.
Comment: This sequence change replaces alanine, which is neutral and non-polar, with threonine, which is neutral and polar, at codon 764 of the CEP164 protein (p.Ala764Thr). This variant is not present in population databases (gnomAD no frequency). This variant has not been reported in the literature in individuals affected with CEP164-related conditions. Advanced modeling of protein sequence and biophysical properties (such as structural, functional, and spatial information, amino acid conservation, physicochemical variation, residue mobility, and thermodynamic stability) performed at Invitae indicates that this missense variant is not expected to disrupt CEP164 protein function. In summary, the available evidence is currently insufficient to determine the role of this variant in disease. Therefore, it has been classified as a Variant of Uncertain Significance.